The following is an entry in ClinVar:

NM_000756.4(CRH):c.239A>G (p.Asn80Ser)

Gene: CRH (corticotropin releasing hormone; minus strand). Cytogenetic location: 8q13.1.
Variant type: single nucleotide variant.
Coding change: c.239A>G on transcript NM_000756.4 (MANE Select); coding-DNA position 239, A replaced by G.
Protein change: p.Asn80Ser; replaces asparagine 80 with serine.
Molecular consequence: missense variant.
Genome position (GRCh38, 1-based): chr8:66,177,239, T>C on the plus strand (A>G on the coding strand, the complement: CRH is on the minus strand). VCF-style: chr8-66177239-T-C. GRCh37 (hg19) VCF-style: chr8-67089474-T-C.
Other names: short protein forms N80S.
Identifiers: ClinVar variation 587862 (VCV000587862.5), dbSNP rs780597345, ClinGen allele CA4766181.

ClinVar aggregate classification (germline): Uncertain significance (1 of 4 stars; one submission).

Allele frequency attached by ClinVar (database versions not stated): gnomAD exomes 0.00002 and 0.00007; TOPMed 0.00003; ExAC 0.00007.

Submission:

Ambry Genetics
Classification: Uncertain significance. Last evaluated: 2016-05-17. Review status: criteria provided, single submitter. Criteria: Ambry Variant Classification Scheme 2023. Collection method: clinical testing. Allele origin: germline.
Comment: The p.N80S variant (also known as c.239A>G), located in coding exon 1 of the CRH gene, results from an A to G substitution at nucleotide position 239. The asparagine at codon 80 is replaced by serine, an amino acid with highly similar properties. This variant was not reported in population based cohorts in the following databases: Database of Single Nucleotide Polymorphisms (dbSNP), NHLBI Exome Sequencing Project (ESP), and 1000 Genomes Project. In the ESP, this variant was not observed in 5785 samples (11570 alleles) with coverage at this position. This amino acid position is poorly conserved in available vertebrate species. In addition, this alteration is predicted to be tolerated by in silico analysis. Since supporting evidence is limited at this time, the clinical significance of this variant remains unclear.